The following is an entry in ClinVar:

ClinVar aggregate classification (germline): Pathogenic. Review status: reviewed by expert panel (3 of 4 stars). 4 submissions from 4 submitters: Pathogenic (1). 3 of the submissions do not count toward it. Last evaluated 2016-10-18.

Conditions:
Hereditary cancer-predisposing syndrome. Also called: Neoplastic Syndromes, Hereditary; Hereditary neoplastic syndrome; Hereditary Cancer Syndrome; Tumor predisposition. Identifiers: Orphanet 140162, MedGen C0027672, MeSH D009386, MONDO:0015356.
Breast-ovarian cancer, familial, susceptibility to, 1 (BROVCA1). Also called: BRCA1 Hereditary Breast and Ovarian Cancer; OVARIAN CANCER, SUSCEPTIBILITY TO. Identifiers: Orphanet 145, MedGen C2676676, MONDO:0011450, OMIM 604370. Disease mechanism: loss of function.
Hereditary breast ovarian cancer syndrome. Also called: BRCA1- and BRCA2-Associated Hereditary Breast and Ovarian Cancer; Hereditary breast and ovarian cancer syndrome (HBOC); Hereditary breast and ovarian cancer syndrome; Hereditary breast and/or ovarian cancer syndrome; Breast and ovarian cancer; Hereditary breast and ovarian cancer. Identifiers: Orphanet 145, MedGen C0677776, MeSH D061325, MONDO:0003582. Disease mechanism: loss of function.

Submissions (4):

Evidence-based Network for the Interpretation of Germline Mutant Alleles (ENIGMA)
Classification: Pathogenic for Breast-ovarian cancer, familial, susceptibility to, 1. Last evaluated: 2016-10-18. Review status: reviewed by expert panel. Criteria: ENIGMA BRCA1/2 Classification Criteria (2015). Collection method: curation. Allele origin: germline.
Comment: Variant allele predicted to encode a truncated non-functional protein.

Ambry Genetics
Classification: Pathogenic for Hereditary cancer-predisposing syndrome. Last evaluated: 2026-06-18. Review status: criteria provided, single submitter. Criteria: Ambry Variant Classification Scheme 2023. Collection method: clinical testing. Allele origin: germline. Not counted in ClinVar's aggregate classification.
Comment: The c.2973_2979delAACTAAA pathogenic mutation, located in coding exon 9 of the BRCA1 gene, results from a deletion of 7 nucleotides at nucleotide positions 2973 to 2979, causing a translational frameshift with a predicted alternate stop codon (p.K991Nfs*7). This variant is considered to be rare based on population cohorts in the Genome Aggregation Database (gnomAD). This variant is expected to result in loss of function by premature protein truncation or nonsense-mediated mRNA decay. As such, this variant is interpreted as a disease-causing mutation.

Consortium of Investigators of Modifiers of BRCA1/2 (CIMBA), c/o University of Cambridge
Classification: Pathogenic for Breast-ovarian cancer, familial, susceptibility to, 1. Last evaluated: 2015-10-02. Review status: criteria provided, single submitter. Criteria: CIMBA Mutation Classification guidelines May 2016. Collection method: clinical testing. Allele origin: germline. Not counted in ClinVar's aggregate classification.

Research Molecular Genetics Laboratory, Women's College Hospital, University of Toronto
Classification: Pathogenic for Hereditary breast ovarian cancer syndrome. Last evaluated: 2014-01-31. Review status: no assertion criteria provided. Collection method: research. Allele origin: germline. Affected: yes. Study: The Canadian Open Genetics Repository (COGR). Not counted in ClinVar's aggregate classification.

NM_007294.4(BRCA1):c.2973_2979del (p.Lys991fs)

Gene: BRCA1 (BRCA1 DNA repair associated; minus strand). Cytogenetic location: 17q21.31.
Variant type: Deletion.
Coding change: c.2973_2979del on transcript NM_007294.4 (MANE Select); coding-DNA positions 2973 to 2979, 7 bases deleted (AACTAAA; older notation c.2973_2979delAACTAAA).
Protein change: p.Lys991fs; shifts the reading frame from lysine 991.
Molecular consequence: frameshift variant. On other transcripts: intron variant (137).
Genome position (GRCh38, 1-based): chr17:43,092,552-43,092,558, TTTAGTT deleted on the plus strand (AACTAAA on the coding strand, the reverse complement: BRCA1 is on the minus strand); deleting any 7 consecutive bases within chr17:43,092,552-43,092,560 gives the same sequence; the c. name uses the placement nearest the transcript's 3' end. VCF-style (leftmost placement, unchanged base first): chr17-43092551-ATTTAGTT-A. GRCh37 (hg19) VCF-style: chr17-41244568-ATTTAGTT-A.
Other names: 3092_3098del7; c.2973_2979delAACTAAA (NM_007294.3); c.2972_2978delAAACTAA (NM_007294.3); c.2637_2643del, p.Lys879fs (NM_001407955.1, NM_001407956.1, NM_001407958.1 and 1 more transcripts); c.2640_2646del, p.Lys880fs (NM_001407957.1, NM_001407946.1, NM_001407947.1 and 6 more transcripts); c.2592_2598del, p.Lys864fs (NM_001407959.1, NM_001407960.1, NM_001407963.1); c.2589_2595del, p.Lys863fs (NM_001407962.1); c.2829_2835del, p.Lys943fs (NM_001407964.1, NM_001407740.1, NM_001407741.1 and 20 more transcripts); and 44 more; short protein forms K991fs, K944fs, K823fs, K863fs, K902fs, K965fs, K988fs, K903fs.
Identifiers: ClinVar variation 54735 (VCV000054735.12), dbSNP rs397509030, ClinGen allele CA001931.